The following is an entry in ClinVar:

NM_001909.5(CTSD):c.828-19A>C

Gene: CTSD (cathepsin D; minus strand). Cytogenetic location: 11p15.5.
Variant type: single nucleotide variant.
Coding change: c.828-19A>C on transcript NM_001909.5 (MANE Select); 19 bases into the intron before coding-DNA position 828, A replaced by C.
Molecular consequence: intron variant.
Genome position (GRCh38, 1-based): chr11:1,754,157, T>G on the plus strand (A>C on the coding strand, the complement: CTSD is on the minus strand). VCF-style: chr11-1754157-T-G. GRCh37 (hg19) VCF-style: chr11-1775387-T-G.
Identifiers: ClinVar variation 137038 (VCV000137038.14), dbSNP rs200047861, ClinGen allele CA290525.

ClinVar aggregate classification (germline): Benign/Likely benign. Review status: criteria provided, multiple submitters, no conflicts (2 of 4 stars). 6 submissions from 6 submitters: Benign (4); Likely benign (1). 1 of the submissions does not count toward it. Last evaluated 2026-01-27.

Conditions:
Neuronal ceroid lipofuscinosis. Also called: Neuronal Ceroid Lipofuscinoses. Identifiers: Orphanet 216, Orphanet 79263, MedGen C0027877, MONDO:0016295. Disease mechanism: loss of function.
Neuronal ceroid lipofuscinosis 10 (CLN10). Also called: CTSD-Related Neuronal Ceroid-Lipofuscinosis; NEURONAL CEROID LIPOFUSCINOSIS DUE TO CATHEPSIN D DEFICIENCY. Identifiers: Orphanet 228337, MedGen C1864669, MONDO:0012414, OMIM 610127.

Allele frequency attached by ClinVar (database versions not stated): gnomAD exomes 0.00112; ExAC 0.00165; gnomAD 0.00456 and 0.00494; ESP Exome Variant Server 0.00477; TOPMed 0.00487; 1000 Genomes Project 30x 0.00515; 1000 Genomes Project 0.00519.
gnomAD v4.1: 1,309 of 1,604,358 alleles (0.082%); highest among the groups gnomAD compares: African/African-American, 1.5%; 10 homozygotes.

Submissions (6):

Labcorp Genetics (formerly Invitae), Labcorp
Classification: Benign for Neuronal ceroid lipofuscinosis. Last evaluated: 2026-01-27. Review status: criteria provided, single submitter. Criteria: Invitae Variant Classification Sherloc (09022015). Collection method: clinical testing. Allele origin: germline.

Fulgent Genetics
Classification: Likely benign for Neuronal ceroid lipofuscinosis 10. Last evaluated: 2021-10-08. Review status: criteria provided, single submitter. Criteria: ACMG Guidelines, 2015. Collection method: clinical testing. Allele origin: unknown.

GeneDx
Classification: Benign. Last evaluated: 2013-04-05. Review status: criteria provided, single submitter. Criteria: GeneDx Variant Classification (06012015). Collection method: clinical testing. Allele origin: germline. Affected: yes.
Comment: This variant is considered likely benign or benign based on one or more of the following criteria: it is a conservative change, it occurs at a poorly conserved position in the protein, it is predicted to be benign by multiple in silico algorithms, and/or has population frequency not consistent with disease.

Breakthrough Genomics
Classification: Benign. Review status: criteria provided, single submitter. Criteria: ACMG Guidelines, 2015. Collection method: not provided. Allele origin: germline. Inheritance: Autosomal recessive inheritance. Affected: yes.

PreventionGenetics, part of Exact Sciences
Classification: Benign. Review status: criteria provided, single submitter. Criteria: ACMG Guidelines, 2015. Collection method: clinical testing. Allele origin: germline.

Mayo Clinic Laboratories, Mayo Clinic
Classification: Likely benign. Last evaluated: 2017-04-25. Review status: no assertion criteria provided. Collection method: clinical testing. Allele origin: unknown. Not counted in ClinVar's aggregate classification.